The following is an entry in ClinVar:

NM_000138.5(FBN1):c.3487G>A (p.Ala1163Thr)

Gene: FBN1 (fibrillin 1; minus strand). Cytogenetic location: 15q21.1.
Variant type: single nucleotide variant.
Coding change: c.3487G>A on transcript NM_000138.5 (MANE Select); coding-DNA position 3487, G replaced by A.
Protein change: p.Ala1163Thr; replaces alanine 1163 with threonine.
Molecular consequence: missense variant.
Genome position (GRCh38, 1-based): chr15:48,487,177, C>T on the plus strand (G>A on the coding strand, the complement: FBN1 is on the minus strand). VCF-style: chr15-48487177-C-T. GRCh37 (hg19) VCF-style: chr15-48779374-C-T.
Other names: c.3487G>A, p.Ala1163Thr (NM_001406716.1); short protein forms A1163T.
Identifiers: ClinVar variation 2929072 (VCV002929072.4), dbSNP rs1481457003, ClinGen allele CA392325934.

ClinVar aggregate classification (germline): Conflicting classifications of pathogenicity. Review status: criteria provided, conflicting classifications (1 of 4 stars). 2 submissions from 2 submitters: Uncertain significance (1); Likely benign (1). Last evaluated 2026-07-07.

Conditions:
Familial thoracic aortic aneurysm and aortic dissection (TAAD). Also called: Thoracic aortic aneurysms and dissections. Identifiers: Orphanet 91387, MedGen C4707243, MONDO:0019625.
Marfan syndrome (MFS). Also called: Marfan syndrome, classic; Marfan syndrome type 1; Marfan's syndrome; FBN1-Related Marfan Syndrome; MARFAN SYNDROME, TYPE I. Identifiers: Orphanet 284963, Orphanet 558, MedGen C0024796, MONDO:0007947, OMIM 154700.

gnomAD v4.1: 14 of 1,614,186 alleles (0.00087%); highest among the groups gnomAD compares: South Asian, 0.0022%; no homozygotes.

Submissions (2):

Ambry Genetics
Classification: Uncertain significance for Familial thoracic aortic aneurysm and aortic dissection. Last evaluated: 2026-07-07. Review status: criteria provided, single submitter. Criteria: Ambry Variant Classification Scheme 2023. Collection method: clinical testing. Allele origin: germline.
Comment: The p.A1163T variant (also known as c.3487G>A), located in coding exon 28 of the FBN1 gene, results from a G to A substitution at nucleotide position 3487. The alanine at codon 1163 is replaced by threonine, an amino acid with similar properties. This amino acid position is conserved. In addition, this alteration is predicted to be tolerated by in silico analysis. Based on the available evidence, the clinical significance of this variant remains unclear.

Labcorp Genetics (formerly Invitae), Labcorp
Classification: Likely benign for Marfan syndrome; Familial thoracic aortic aneurysm and aortic dissection. Last evaluated: 2022-12-20. Review status: criteria provided, single submitter. Criteria: Invitae Variant Classification Sherloc (09022015). Collection method: clinical testing. Allele origin: germline.